The following is an entry in ClinVar:

ClinVar aggregate classification (germline): Likely pathogenic (1 of 4 stars; one submission).

Conditions:
Autosomal dominant familial hematuria-retinal arteriolar tortuosity-contractures syndrome. Also called: Angiopathy, hereditary, with nephropathy, aneurysms, and muscle cramps; Hereditary Angiopathy with Nephropathy, Aneurysms, and Muscle Cramps (HANAC) Syndrome. Identifiers: Orphanet 73229, MedGen C2673195, MONDO:0012726, OMIM 611773.

Submission:

MVZ Medizinische Genetik Mainz
Classification: Likely pathogenic for Autosomal dominant familial hematuria-retinal arteriolar tortuosity-contractures syndrome. Last evaluated: 2022-11-09. Review status: criteria provided, single submitter. Criteria: UK Practice Guidelines For Variant Classification V4 01 2020. Collection method: clinical testing. Allele origin: germline. Inheritance: Autosomal dominant inheritance. Affected: yes. Observed: 1 variant allele.
Comment: ACMG Criteria: PVS1, PM2_SUP (ACMG Version 4)

NM_001845.6(COL4A1):c.3325+1G>A

Gene: COL4A1 (collagen type IV alpha 1 chain; minus strand). Cytogenetic location: 13q34.
Variant type: single nucleotide variant.
Coding change: c.3325+1G>A on transcript NM_001845.6 (MANE Select); the canonical splice donor site of the intron after coding-DNA position 3325, G replaced by A.
Molecular consequence: splice donor variant.
Genome position (GRCh38, 1-based): chr13:110,174,622, C>T on the plus strand (G>A on the coding strand, the complement: COL4A1 is on the minus strand). VCF-style: chr13-110174622-C-T. GRCh37 (hg19) VCF-style: chr13-110826969-C-T.
Identifiers: ClinVar variation 3066353 (VCV003066353.1), dbSNP rs2501770861, ClinGen allele CA388664496.